The following is an entry in ClinVar:

ClinVar aggregate classification (germline): Benign. Review status: criteria provided, multiple submitters, no conflicts (2 of 4 stars). 4 submissions from 4 submitters: Benign (3). 1 of the submissions does not count toward it. Last evaluated 2026-02-02.

Conditions:
Epidermolysis bullosa simplex 3, localized or generalized intermediate, with BP230 deficiency (EBS3). Also called: Epidermolysis bullosa simplex, autosomal recessive 2; Epidermolysis bullosa simplex due to BP230 deficiency. Identifiers: Orphanet 412181, MedGen C3809470, MONDO:0014180, OMIM 615425.
Hereditary sensory and autonomic neuropathy type 6. Also called: HSAN VI; Neuropathy, hereditary sensory and autonomic, type VI. Identifiers: Orphanet 314381, MedGen C3539003, MONDO:0013839, OMIM 614653.
DST-related disorder. Also called: DST-related condition; DST-related disorders.

Allele frequency attached by ClinVar (database versions not stated): ESP Exome Variant Server 0.00266; gnomAD exomes 0.00480 and 0.01402; gnomAD 0.00620 and 0.00799; TOPMed 0.00841; ExAC 0.01330; 1000 Genomes Project 30x 0.03170; 1000 Genomes Project 0.03355.
gnomAD v4.1: 8,636 of 1,613,992 alleles (0.54%); highest among the groups gnomAD compares: East Asian, 12%; 407 homozygotes.

Submissions (4):

Labcorp Genetics (formerly Invitae), Labcorp
Classification: Benign for Epidermolysis bullosa simplex 3, localized or generalized intermediate, with BP230 deficiency; Hereditary sensory and autonomic neuropathy type 6. Last evaluated: 2026-02-02. Review status: criteria provided, single submitter. Criteria: Invitae Variant Classification Sherloc (09022015). Collection method: clinical testing. Allele origin: germline.

GeneDx
Classification: Benign. Last evaluated: 2021-04-08. Review status: criteria provided, single submitter. Criteria: GeneDx Variant Classification Process June 2021. Collection method: clinical testing. Allele origin: germline. Affected: yes.

Mayo Clinic Laboratories, Mayo Clinic
Classification: Benign. Last evaluated: 2017-11-20. Review status: criteria provided, single submitter. Criteria: ACMG Guidelines, 2015. Collection method: clinical testing. Allele origin: germline. Observed: 21 variant alleles.

PreventionGenetics, part of Exact Sciences
Classification: Benign for DST-related condition. Last evaluated: 2019-07-16. Review status: no assertion criteria provided. Collection method: clinical testing. Allele origin: germline. Not counted in ClinVar's aggregate classification.
Comment: This variant is classified as benign based on ACMG/AMP sequence variant interpretation guidelines (Richards et al. 2015 PMID: 25741868, with internal and published modifications).

NM_001374736.1(DST):c.16398G>A (p.Leu5466=)

Gene: DST (dystonin; minus strand). Cytogenetic location: 6p12.1.
Variant type: single nucleotide variant.
Coding change: c.16398G>A on transcript NM_001374736.1 (MANE Select); coding-DNA position 16398, G replaced by A.
Protein change: p.Leu5466=; no amino-acid change (leucine 5466 retained).
Molecular consequence: synonymous variant.
Genome position (GRCh38, 1-based): chr6:56,552,394, C>T on the plus strand (G>A on the coding strand, the complement: DST is on the minus strand). VCF-style: chr6-56552394-C-T. GRCh37 (hg19) VCF-style: chr6-56417192-C-T.
Other names: p.Leu2843=; c.10041G>A (NM_001144769.2); c.10041G>A, p.Leu3347= (NM_001144769.5); c.9627G>A, p.Leu3209= (NM_001144770.2); c.16398G>A, p.Leu5466= (NM_001374722.1); c.15765G>A, p.Leu5255= (NM_001374729.1); c.9507G>A, p.Leu3169= (NM_001374730.1, NM_001386100.1, NM_183380.4); c.16425G>A, p.Leu5475= (NM_001374734.1); and 1 more.
Identifiers: ClinVar variation 1166308 (VCV001166308.14), dbSNP rs12662511, ClinGen allele CA3867685.
Genomic context (GRCh38, chr6:56,552,394, plus strand): 5'-CTGCTCTTCTCTGGCTTGGGCTCGGTCCAGTAACTTGTTGCATTGTTTGCTTAAGGCCTC[C>T]AAGTCCCTTTTGATTCCAACAAGGTCAGGAGAGGTTTCTTCTGTGGCTAACATCATCTTG-3'
Protein context (NP_001361665.1, residues 5456-5476): SPDLVGIKRD[Leu5466=]EALSKQCNKL